The following is an entry in ClinVar:

NM_006922.4(SCN3A):c.1372G>A (p.Glu458Lys)

Gene: SCN3A (sodium voltage-gated channel alpha subunit 3; minus strand). Cytogenetic location: 2q24.3.
Variant type: single nucleotide variant.
Coding change: c.1372G>A on transcript NM_006922.4 (MANE Select); coding-DNA position 1372, G replaced by A.
Protein change: p.Glu458Lys; replaces glutamic acid 458 with lysine.
Molecular consequence: missense variant.
Genome position (GRCh38, 1-based): chr2:165,154,460, C>T on the plus strand (G>A on the coding strand, the complement: SCN3A is on the minus strand). VCF-style: chr2-165154460-C-T. GRCh37 (hg19) VCF-style: chr2-166010970-C-T.
Other names: c.1372G>A, p.Glu458Lys (NM_001081676.2, NM_001081677.2); short protein forms E458K.
Identifiers: ClinVar variation 2502797 (VCV002502797.1), dbSNP rs1553535026, ClinGen allele CA349237877.
Genomic context (GRCh38, chr2:165,154,460, plus strand): 5'-ACTTAGAAACTAATAATAATAATGATAAATCTTTGCTTTTATCACTCAGTACCTGAGCTT[C>T]TTCCTGTTGCTTTTTAAGCTGTTCGAGCATCTGCTGAAATTCGGCCTCTTTTTGTTCTGC-3'
Protein context (NP_008853.3, residues 448-468): MLEQLKKQQE[Glu458Lys]AQAVAAASAA

ClinVar aggregate classification (germline): Uncertain significance (1 of 4 stars; one submission).

Submission:

GeneDx
Classification: Uncertain significance. Last evaluated: 2022-11-18. Review status: criteria provided, single submitter. Criteria: GeneDx Variant Classification Process June 2021. Collection method: clinical testing. Allele origin: germline. Affected: yes.
Comment: Not observed at significant frequency in large population cohorts (gnomAD); In silico analysis supports that this missense variant has a deleterious effect on protein structure/function; Has not been previously published as pathogenic or benign to our knowledge